The following is an entry in ClinVar:

NM_006421.5(ARFGEF1):c.3020C>T (p.Thr1007Ile)

Gene: ARFGEF1 (ARF guanine nucleotide exchange factor 1; minus strand). Cytogenetic location: 8q13.2.
Variant type: single nucleotide variant.
Coding change: c.3020C>T on transcript NM_006421.5 (MANE Select); coding-DNA position 3020, C replaced by T.
Protein change: p.Thr1007Ile; replaces threonine 1007 with isoleucine.
Molecular consequence: missense variant. On other transcripts: non-coding transcript variant (1).
Genome position (GRCh38, 1-based): chr8:67,238,853, G>A on the plus strand (C>T on the coding strand, the complement: ARFGEF1 is on the minus strand). VCF-style: chr8-67238853-G-A. GRCh37 (hg19) VCF-style: chr8-68151088-G-A.
Other names: c.3020C>T, p.Thr1007Ile (NM_001413184.1, NM_001413185.1, NM_001413186.1 and 6 more transcripts); c.2420C>T, p.Thr807Ile (NM_001413188.1, NM_001413193.1, NM_001413197.1); c.3014C>T, p.Thr1005Ile (NM_001413190.1); c.1595C>T, p.Thr532Ile (NM_001413196.1); short protein forms T1005I, T1007I, T532I, T807I.
Identifiers: ClinVar variation 3900882 (VCV003900882.1).

ClinVar aggregate classification (germline): Uncertain significance (1 of 4 stars; one submission).

Submission:

GeneDx
Classification: Uncertain significance. Last evaluated: 2024-12-02. Review status: criteria provided, single submitter. Criteria: GeneDx Variant Classification Process June 2021. Collection method: clinical testing. Allele origin: germline. Affected: yes.
Comment: Not observed at significant frequency in large population cohorts (gnomAD); In silico analysis supports that this missense variant has a deleterious effect on protein structure/function; Has not been previously published as pathogenic or benign to our knowledge